The following is an entry in ClinVar:

NM_001130144.3(LTBP3):c.1137T>C (p.Cys379=)

Gene: LTBP3 (latent transforming growth factor beta binding protein 3; minus strand). Cytogenetic location: 11q13.1.
Variant type: single nucleotide variant.
Coding change: c.1137T>C on transcript NM_001130144.3 (MANE Select); coding-DNA position 1137, T replaced by C.
Protein change: p.Cys379=; no amino-acid change (cysteine 379 retained).
Molecular consequence: synonymous variant.
Genome position (GRCh38, 1-based): chr11:65,552,909, A>G on the plus strand (T>C on the coding strand, the complement: LTBP3 is on the minus strand). VCF-style: chr11-65552909-A-G. GRCh37 (hg19) VCF-style: chr11-65320380-A-G.
Other names: c.786T>C, p.Cys262= (NM_001164266.1); c.1137T>C, p.Cys379= (NM_021070.4).
Identifiers: ClinVar variation 735766 (VCV000735766.22), dbSNP rs201941540, ClinGen allele CA6101059.

ClinVar aggregate classification (germline): Benign/Likely benign. Review status: criteria provided, multiple submitters, no conflicts (2 of 4 stars). 4 submissions from 4 submitters: Benign (1); Likely benign (2). 1 of the submissions does not count toward it. Last evaluated 2025-12-13.

Conditions:
Inborn genetic diseases. Identifiers: MedGen C0950123, MeSH D030342.
Brachyolmia-amelogenesis imperfecta syndrome. Also called: Tooth agenesis, selective, 6; Dental anomalies and short stature; PLATYSPONDYLY WITH AMELOGENESIS IMPERFECTA. Identifiers: Orphanet 2899, MedGen C1832594, MONDO:0011018, OMIM 601216. Disease mechanism: loss of function.
LTBP3-related disorder. Also called: LTBP3-related condition.

Allele frequency attached by ClinVar (database versions not stated): gnomAD exomes 0.00010 and 0.00024; gnomAD 0.00012; TOPMed 0.00014; ExAC 0.00017.
gnomAD v4.1: 180 of 1,614,082 alleles (0.011%); highest among the groups gnomAD compares: Non-Finnish European, 0.003%; no homozygotes.

Submissions (4):

Labcorp Genetics (formerly Invitae), Labcorp
Classification: Benign for Brachyolmia-amelogenesis imperfecta syndrome. Last evaluated: 2025-12-13. Review status: criteria provided, single submitter. Criteria: Invitae Variant Classification Sherloc (09022015). Collection method: clinical testing. Allele origin: germline.

CeGaT Center for Human Genetics Tuebingen
Classification: Likely benign. Last evaluated: 2025-07-01. Review status: criteria provided, single submitter. Criteria: CeGaT Center For Human Genetics Tuebingen Variant Classification Criteria Version 2. Collection method: clinical testing. Allele origin: germline. Affected: yes. Observed: 1 variant allele.
Comment: LTBP3: BP4, BP7

Ambry Genetics
Classification: Likely benign for Inborn genetic diseases. Last evaluated: 2022-05-02. Review status: criteria provided, single submitter. Criteria: Ambry Variant Classification Scheme 2023. Collection method: clinical testing. Allele origin: germline.

PreventionGenetics, part of Exact Sciences
Classification: Likely benign for LTBP3-related condition. Last evaluated: 2024-02-20. Review status: no assertion criteria provided. Collection method: clinical testing. Allele origin: germline. Not counted in ClinVar's aggregate classification.
Comment: This variant is classified as likely benign based on ACMG/AMP sequence variant interpretation guidelines (Richards et al. 2015 PMID: 25741868, with internal and published modifications).